The following is an entry in ClinVar:

NM_000423.3(KRT2):c.*279T>C

Gene: KRT2 (keratin 2; minus strand). Cytogenetic location: 12q13.13.
Variant type: single nucleotide variant.
Coding change: c.*279T>C on transcript NM_000423.3 (MANE Select); 279 bases downstream of the stop codon, T replaced by C.
Molecular consequence: 3 prime UTR variant.
Genome position (GRCh38, 1-based): chr12:52,644,740, A>G on the plus strand (T>C on the coding strand, the complement: KRT2 is on the minus strand). VCF-style: chr12-52644740-A-G. GRCh37 (hg19) VCF-style: chr12-53038524-A-G.
Identifiers: ClinVar variation 309589 (VCV000309589.5), dbSNP rs146357787, ClinGen allele CA10642778.

ClinVar aggregate classification (germline): Benign (1 of 4 stars; one submission).

Conditions:
Ichthyosis bullosa of Siemens (IBS). Also called: Superficial epidermolytic ichthyosis. Identifiers: Orphanet 455, MedGen C0432306, MONDO:0007813, OMIM 146800.

Allele frequency attached by ClinVar (database versions not stated): gnomAD exomes 0.00016; 1000 Genomes Project 30x 0.00031; 1000 Genomes Project 0.00060; gnomAD 0.00100 and 0.00110; TOPMed 0.00104.
gnomAD v4.1: 208 of 503,568 alleles (0.041%); highest among the groups gnomAD compares: African/African-American, 0.32%; no homozygotes.

Submission:

Illumina Laboratory Services, Illumina
Classification: Benign for Ichthyosis bullosa of Siemens. Last evaluated: 2018-01-12. Review status: criteria provided, single submitter. Criteria: ICSL Variant Classification Criteria 13 December 2019. Collection method: clinical testing. Allele origin: germline.
Comment: This variant was observed in the ICSL laboratory as part of a predisposition screen in an ostensibly healthy population. It had not been previously curated by ICSL or reported in the Human Gene Mutation Database (HGMD: prior to June 1st, 2018), and was therefore a candidate for classification through an automated scoring system. Utilizing variant allele frequency, disease prevalence and penetrance estimates, and inheritance mode, an automated score was calculated to assess if this variant is too frequent to cause the disease. Based on the score and internal cut-off values, a variant classified as benign is not then subjected to further curation. The score for this variant resulted in a classification of benign for this disease.